The following is an entry in ClinVar:

NM_003718.5(CDK13):c.251G>T (p.Gly84Val)

Genes: CDK13 (cyclin dependent kinase 13; plus strand), LOC129998292 (ATAC-STARR-seq lymphoblastoid silent region 18115; plus strand). Cytogenetic location: 7p14.1.
Variant type: single nucleotide variant.
Coding change: c.251G>T on transcript NM_003718.5 (MANE Select); coding-DNA position 251, G replaced by T.
Protein change: p.Gly84Val; replaces glycine 84 with valine.
Molecular consequence: missense variant.
Genome position (GRCh38, 1-based): chr7:39,950,892, G>T. VCF-style: chr7-39950892-G-T. GRCh37 (hg19) VCF-style: chr7-39990491-G-T.
Other names: c.251G>T, p.Gly84Val (NM_031267.4); short protein forms G84V.
Identifiers: ClinVar variation 2633180 (VCV002633180.1), dbSNP rs1787143212, ClinGen allele CA367309099.

ClinVar aggregate classification (germline): Uncertain significance (1 of 4 stars; one submission).

Conditions:
CDK13-related disorder. Also called: CDK13-related condition. Identifiers: MedGen C5816700.

Allele frequency attached by ClinVar (database versions not stated): TOPMed below 0.00001.

Submission:

PreventionGenetics, part of Exact Sciences
Classification: Uncertain significance for CDK13-related condition. Last evaluated: 2023-05-10. Review status: criteria provided, single submitter. Criteria: ACMG Guidelines, 2015. Collection method: clinical testing. Allele origin: germline.
Comment: The CDK13 c.251G>T variant is predicted to result in the amino acid substitution p.Gly84Val. To our knowledge, this variant has not been reported in the literature or in a large population database, indicating this variant is rare. At this time, the clinical significance of this variant is uncertain due to the absence of conclusive functional and genetic evidence.